The following is an entry in ClinVar:

ClinVar aggregate classification (germline): Benign. Review status: criteria provided, multiple submitters, no conflicts (2 of 4 stars). 3 submissions from 3 submitters: Benign (3). Last evaluated 2024-07-15.

Allele frequency attached by ClinVar (database versions not stated): TOPMed 0.13939; gnomAD exomes 0.17402; ExAC 0.13499; 1000 Genomes Project 30x 0.21299; 1000 Genomes Project 0.21565.
gnomAD v4.1: 143,390 of 1,550,168 alleles (9.2%); highest among the groups gnomAD compares: East Asian, 42%; 12,817 homozygotes.

Submissions (3):

Unidad de Genómica Garrahan, Hospital de Pediatría Garrahan
Classification: Benign. Last evaluated: 2024-07-15. Review status: criteria provided, single submitter. Criteria: ACMG Guidelines, 2015. Collection method: clinical testing. Allele origin: germline. Affected: no. Observed: 47 variant alleles.
Comment: This variant is classified as Benign based on local population frequency. This variant was detected in 51% of patients studied in a panel designed for Epileptic and Developmental Encephalopathy and Progressive Myoclonus Epilepsy. Number of patients: 47. Only high quality variants are reported.

GeneDx
Classification: Benign. Last evaluated: 2018-07-15. Review status: criteria provided, single submitter. Criteria: GeneDx Variant Classification Process June 2021. Collection method: clinical testing. Allele origin: germline. Affected: yes.

Breakthrough Genomics
Classification: Benign. Review status: criteria provided, single submitter. Criteria: ACMG Guidelines, 2015. Collection method: not provided. Allele origin: germline. Inheritance: Autosomal dominant inheritance. Affected: yes.

NM_004974.4(KCNA2):c.*1244T>C

Gene: KCNA2 (potassium voltage-gated channel subfamily A member 2; minus strand). Cytogenetic location: 1p13.3.
Variant type: single nucleotide variant.
Coding change: c.*1244T>C on transcript NM_004974.4 (MANE Select); 1244 bases downstream of the stop codon, T replaced by C.
Molecular consequence: 3 prime UTR variant. On other transcripts: synonymous variant (1).
Genome position (GRCh38, 1-based): chr1:110,602,039, A>G on the plus strand (T>C on the coding strand, the complement: KCNA2 is on the minus strand). VCF-style: chr1-110602039-A-G. GRCh37 (hg19) VCF-style: chr1-111144661-A-G.
Other names: c.1026T>C, p.Asp342= (NM_001204269.2).
Identifiers: ClinVar variation 1245424 (VCV001245424.5), dbSNP rs12407942, ClinGen allele CA1000596.